The following is an entry in ClinVar:

ClinVar aggregate classification (germline): Uncertain significance (1 of 4 stars; one submission).

Submission:

GeneDx
Classification: Uncertain significance. Last evaluated: 2025-05-09. Review status: criteria provided, single submitter. Criteria: GeneDx Variant Classification Process June 2021. Collection method: clinical testing. Allele origin: germline.
Comment: Not observed at significant frequency in large population cohorts (gnomAD); In silico analysis supports that this missense variant has a deleterious effect on protein structure/function; Has not been previously published as pathogenic or benign to our knowledge

NM_001003694.2(BRPF1):c.1553C>T (p.Pro518Leu)

Gene: BRPF1 (bromodomain and PHD finger containing 1; plus strand). Cytogenetic location: 3p25.3.
Variant type: single nucleotide variant.
Coding change: c.1553C>T on transcript NM_001003694.2 (MANE Select); coding-DNA position 1553, C replaced by T.
Protein change: p.Pro518Leu; replaces proline 518 with leucine.
Molecular consequence: missense variant. On other transcripts: non-coding transcript variant (1).
Genome position (GRCh38, 1-based): chr3:9,739,952, C>T. VCF-style: chr3-9739952-C-T. GRCh37 (hg19) VCF-style: chr3-9781636-C-T.
Other names: c.1553C>T, p.Pro518Leu (NM_001319049.2, NM_001319050.2, NM_001410704.1 and 1 more transcripts); short protein forms P518L.
Identifiers: ClinVar variation 3361070 (VCV003361070.2).